The following is an entry in ClinVar:

NM_000551.4(VHL):c.340+649G>C

Genes: VHL (von Hippel-Lindau tumor suppressor; plus strand), LOC107303340 (3p25 von Hippel-Lindau tumor suppressor, E3 ubiquitin protein ligase Alu-mediated recombination region; plus strand). Cytogenetic location: 3p25.3.
Variant type: single nucleotide variant.
Coding change: c.340+649G>C on transcript NM_000551.4 (MANE Select); 649 bases into the intron after coding-DNA position 340, G replaced by C.
Molecular consequence: intron variant. On other transcripts: synonymous variant (1).
Genome position (GRCh38, 1-based): chr3:10,142,836, G>C. VCF-style: chr3-10142836-G-C. GRCh37 (hg19) VCF-style: chr3-10184520-G-C.
Other names: c.414G>C, p.Leu138= (NM_001354723.2); c.340+649G>C (NM_198156.3).
Identifiers: ClinVar variation 1511757 (VCV001511757.8), dbSNP rs1696159926, ClinGen allele CA1345067259.

ClinVar aggregate classification (germline): Uncertain significance (1 of 4 stars; one submission).

Conditions:
Von Hippel-Lindau syndrome (VHLS). Also called: VHL syndrome; von Hippel–Lindau syndrome; Von Hippel-Lindau. Identifiers: Orphanet 892, MedGen C0019562, MONDO:0008667, OMIM 193300. Disease mechanism: loss of function.
Chuvash polycythemia. Also called: POLYCYTHEMIA, VHL-DEPENDENT. Identifiers: Orphanet 238557, MedGen C1837915, MONDO:0009892, OMIM 263400.

Allele frequency attached by ClinVar (database versions not stated): TOPMed below 0.00001.

Submission:

Labcorp Genetics (formerly Invitae), Labcorp
Classification: Uncertain significance for Von Hippel-Lindau syndrome; Chuvash polycythemia. Last evaluated: 2025-09-08. Review status: criteria provided, single submitter. Criteria: Invitae Variant Classification Sherloc (09022015). Collection method: clinical testing. Allele origin: germline.
Comment: This sequence change falls in intron 1 of the VHL gene. It is not expected to change the encoded amino acid sequence of the VHL protein. However, this sequence change falls within a cryptic exon in the VHL gene, known as exon E1’, which is naturally expressed at low levels in several human tissues (PMID: 29891534). This variant is not present in population databases (gnomAD no frequency). This variant has not been reported in the literature in individuals affected with VHL-related conditions. ClinVar contains an entry for this variant (Variation ID: 1511757). Algorithms developed to predict the effect of sequence changes on RNA splicing suggest that this variant is not likely to affect RNA splicing. In summary, the available evidence is currently insufficient to determine the role of this variant in disease. Therefore, it has been classified as a Variant of Uncertain Significance.

Literature cited by the submitters: PubMed 29891534.